The following is an entry in ClinVar:

ClinVar aggregate classification (germline): Uncertain significance (1 of 4 stars; one submission).

Conditions:
TBX20-related disorder. Also called: TBX20-related condition.

Submission:

PreventionGenetics, part of Exact Sciences
Classification: Uncertain significance for TBX20-related condition. Last evaluated: 2025-10-02. Review status: criteria provided, single submitter. Criteria: ACMG Guidelines, 2015. Collection method: clinical testing. Allele origin: germline.
Comment: The TBX20 c.655-2A>G variant is predicted to disrupt the AG splice acceptor site and interfere with normal splicing. The consequence of this variant on splicing is not known; however, exon skipping would result in an inframe deletion of the exon. To our knowledge, this variant has not been reported in the literature or in a large population database (gnomAD), indicating this variant is rare. Although we suspect that this variant may be pathogenic, at this time, the clinical significance of this variant is uncertain due to the absence of conclusive functional and genetic evidence.

NM_001077653.2(TBX20):c.655-2A>G

Gene: TBX20 (T-box transcription factor 20; minus strand). Cytogenetic location: 7p14.2.
Variant type: single nucleotide variant.
Coding change: c.655-2A>G on transcript NM_001077653.2 (MANE Select); the canonical splice acceptor site of the intron before coding-DNA position 655, A replaced by G.
Molecular consequence: splice acceptor variant.
Genome position (GRCh38, 1-based): chr7:35,241,039, T>C on the plus strand (A>G on the coding strand, the complement: TBX20 is on the minus strand). VCF-style: chr7-35241039-T-C. GRCh37 (hg19) VCF-style: chr7-35280651-T-C.
Other names: c.655-2A>G (NM_001166220.1).
Identifiers: ClinVar variation 4992519 (VCV004992519.1).
Genomic context (GRCh38, chr7:35,241,039, plus strand): 5'-TCTTTCTTCTTAATGATGTGCACCCTTGGCTGGTACTTATGCATTGAGTTCAAAATTATC[T>C]ACAACAAAAAGATGGGAAGTACTGAATTTTACATACTTATACTGCTAAACAGGCCAAATT-3'